The following is an entry in ClinVar:

NM_004329.3(BMPR1A):c.-287A>T

Genes: BMPR1A (bone morphogenetic protein receptor type 1A; plus strand), LOC130004245 (ATAC-STARR-seq lymphoblastoid silent region 2573; plus strand). Cytogenetic location: 10q23.2.
Variant type: single nucleotide variant.
Coding change: c.-287A>T on transcript NM_004329.3 (MANE Select); 287 bases upstream of the start codon, A replaced by T.
Molecular consequence: 5 prime UTR variant.
Genome position (GRCh38, 1-based): chr10:86,756,900, A>T. VCF-style: chr10-86756900-A-T. GRCh37 (hg19) VCF-style: chr10-88516657-A-T.
Identifiers: ClinVar variation 513176 (VCV000513176.1), dbSNP rs730881438, ClinGen allele CA595046926.
Genomic context (GRCh38, chr10:86,756,900, plus strand): 5'-GGGCCCCACTTCGCCCCGGCGGCTCGCCGCGCCCACCCGCTCCGCGCCGAGGGCTGGAGG[A>T]TGCGTTCCCTGGGGTCCGGGTGAGTTGGGAGTGCGCGTGCGGACCGGAGGGGCTGGCCGC-3'

ClinVar aggregate classification (germline): Likely benign (1 of 4 stars; one submission).

gnomAD v4.1: 1 of 151,976 alleles (0.00066%); highest among the groups gnomAD compares: African/African-American, 0.0024%; no homozygotes.

Submission:

GeneDx
Classification: Likely benign. Last evaluated: 2017-11-08. Review status: criteria provided, single submitter. Criteria: GeneDx Variant Classification (06012015). Collection method: clinical testing. Allele origin: germline. Affected: yes.
Comment: This variant is considered likely benign or benign based on one or more of the following criteria: it is a conservative change, it occurs at a poorly conserved position in the protein, it is predicted to be benign by multiple in silico algorithms, and/or has population frequency not consistent with disease.